The following is an entry in ClinVar:

ClinVar aggregate classification (germline): Uncertain significance. Review status: criteria provided, multiple submitters, no conflicts (2 of 4 stars). 2 submissions from 2 submitters: Uncertain significance (2). Last evaluated 2025-05-29.

Allele frequency attached by ClinVar (database versions not stated): gnomAD 0.00001; TOPMed 0.00001; ESP Exome Variant Server 0.00008; gnomAD exomes 0.00001.
gnomAD v4.1: 14 of 1,613,990 alleles (0.00087%); highest among the groups gnomAD compares: East Asian, 0.0022%; no homozygotes.

Submissions (2):

Labcorp Genetics (formerly Invitae), Labcorp
Classification: Uncertain significance. Last evaluated: 2025-05-29. Review status: criteria provided, single submitter. Criteria: Invitae Variant Classification Sherloc (09022015). Collection method: clinical testing. Allele origin: germline.
Comment: This sequence change replaces threonine, which is neutral and polar, with methionine, which is neutral and non-polar, at codon 23 of the NUP62 protein (p.Thr23Met). This variant is not present in population databases (gnomAD no frequency). This variant has not been reported in the literature in individuals affected with NUP62-related conditions. ClinVar contains an entry for this variant (Variation ID: 1980201). Experimental studies and prediction algorithms are not available or were not evaluated, and the functional significance of this variant is currently unknown. In summary, the available evidence is currently insufficient to determine the role of this variant in disease. Therefore, it has been classified as a Variant of Uncertain Significance.

Ambry Genetics
Classification: Uncertain significance. Last evaluated: 2025-03-20. Review status: criteria provided, single submitter. Criteria: Ambry Variant Classification Scheme 2023. Collection method: clinical testing. Allele origin: germline.

NM_016553.5(NUP62):c.68C>T (p.Thr23Met)

Genes: IL4I1 (interleukin 4 induced 1; minus strand), NUP62 (nucleoporin 62; minus strand). Cytogenetic location: 19q13.33.
Variant type: single nucleotide variant.
Coding change: c.68C>T on transcript NM_016553.5 (MANE Select); coding-DNA position 68, C replaced by T.
Protein change: p.Thr23Met; replaces threonine 23 with methionine.
Molecular consequence: missense variant. On other transcripts: intron variant (3).
Genome position (GRCh38, 1-based): chr19:49,909,740, G>A on the plus strand (C>T on the coding strand, the complement: NUP62 is on the minus strand). VCF-style: chr19-49909740-G-A. GRCh37 (hg19) VCF-style: chr19-50412997-G-A.
Other names: c.68C>T, p.Thr23Met (NM_001193357.2, NM_012346.5, NM_153718.4 and 1 more transcripts); c.-227-5419C>T (NM_001258017.2, NM_172374.3); c.-285-5419C>T (NM_001258018.2); short protein forms T23M.
Identifiers: ClinVar variation 1980201 (VCV001980201.4), dbSNP rs371157888, ClinGen allele CA309555894.